The following is an entry in ClinVar:

NM_001378418.1(TCF20):c.2747C>T (p.Ser916Phe)

Gene: TCF20 (transcription factor 20; minus strand). Cytogenetic location: 22q13.2.
Variant type: single nucleotide variant.
Coding change: c.2747C>T on transcript NM_001378418.1 (MANE Select); coding-DNA position 2747, C replaced by T.
Protein change: p.Ser916Phe; replaces serine 916 with phenylalanine.
Molecular consequence: missense variant.
Genome position (GRCh38, 1-based): chr22:42,212,559, G>A on the plus strand (C>T on the coding strand, the complement: TCF20 is on the minus strand). VCF-style: chr22-42212559-G-A. GRCh37 (hg19) VCF-style: chr22-42608565-G-A.
Other names: c.2747C>T, p.Ser916Phe (NM_005650.4, NM_181492.3); short protein forms S916F.
Identifiers: ClinVar variation 2585404 (VCV002585404.1), dbSNP rs2518223167, ClinGen allele CA411787986.

ClinVar aggregate classification (germline): Uncertain significance (1 of 4 stars; one submission).

Conditions:
Developmental delay with variable intellectual impairment and behavioral abnormalities. Identifiers: MedGen C5193092, MONDO:0032745, OMIM 618430.

Allele frequency attached by ClinVar (database versions not stated): gnomAD exomes below 0.00001.
gnomAD v4.1: 1 of 1,613,960 alleles (0.000062%); highest among the groups gnomAD compares: Non-Finnish European, 0.000085%; no homozygotes.

Submission:

Neuberg Centre For Genomic Medicine, NCGM
Classification: Uncertain significance for Developmental delay with variable intellectual impairment and behavioral abnormalities. Review status: criteria provided, single submitter. Criteria: ACMG Guidelines, 2015. Collection method: clinical testing. Allele origin: germline. Inheritance: Autosomal dominant inheritance. Affected: yes.
Comment: The missense variant c.2747C>T (p.Ser916Phe) in TCF20 has not been reported previously as a pathogenic variant nor as a benign variant, to our knowledge. The p.Ser916Phe variant is novel (not in any individuals) in gnomAD Exomes and 1000 Genomes. The amino acid Ser at position 916 is changed to a Phe changing protein sequence and it might alter its composition and physico-chemical properties. The variant is predicted to be damaging by both SIFT and PolyPhen2. The residue is conserved across species. The amino acid change p.Ser916Phe in TCF20 is predicted as conserved by GERP++ and PhyloP across 100 vertebrates. For these reasons, this variant has been classified as Uncertain Significance.